The following is an entry in ClinVar:

NM_001130823.3(DNMT1):c.981T>G (p.Ile327Met)

Gene: DNMT1 (DNA methyltransferase 1; minus strand). Cytogenetic location: 19p13.2.
Variant type: single nucleotide variant.
Coding change: c.981T>G on transcript NM_001130823.3 (MANE Select); coding-DNA position 981, T replaced by G.
Protein change: p.Ile327Met; replaces isoleucine 327 with methionine.
Molecular consequence: missense variant.
Genome position (GRCh38, 1-based): chr19:10,162,694, A>C on the plus strand (T>G on the coding strand, the complement: DNMT1 is on the minus strand). VCF-style: chr19-10162694-A-C. GRCh37 (hg19) VCF-style: chr19-10273370-A-C.
Other names: p.Ile327Met; c.981T>G (NM_001130823.2, LRG_362t1); c.933T>G, p.Ile311Met (NM_001318730.2, NM_001379.4); c.618T>G, p.Ile206Met (NM_001318731.2); short protein forms I327M, I311M, I206M.
Identifiers: ClinVar variation 327918 (VCV000327918.48), dbSNP rs61758431, ClinGen allele CA9188501.

ClinVar aggregate classification (germline): Benign/Likely benign. Review status: criteria provided, multiple submitters, no conflicts (2 of 4 stars). 9 submissions from 9 submitters: Benign (3); Likely benign (6). Last evaluated 2025-12-13.

Conditions:
Inborn genetic diseases. Identifiers: MedGen C0950123, MeSH D030342.
Hereditary sensory neuropathy-deafness-dementia syndrome. Also called: Hereditary Sensory and Autonomic Neuropathy Type 1E (HSAN1E); NEUROPATHY, HEREDITARY SENSORY, WITH HEARING LOSS AND DEMENTIA; Hereditary sensory neuropathy type IE; HSN IE. Identifiers: Orphanet 456318, MedGen C3279885, MONDO:0013584, OMIM 614116.
DNMT1-related disorder. Also called: DNMT1-related condition. Identifiers: MedGen CN381527.

Allele frequency attached by ClinVar (database versions not stated): 1000 Genomes Project 30x 0.00016; 1000 Genomes Project 0.00020; TOPMed 0.00026; ESP Exome Variant Server 0.00031; gnomAD exomes 0.00031 and 0.00047; gnomAD 0.00038 and 0.00039; ExAC 0.00050.
gnomAD v4.1: 505 of 1,613,846 alleles (0.031%); highest among the groups gnomAD compares: Middle Eastern, 0.05%; no homozygotes.

Submissions (9):

Labcorp Genetics (formerly Invitae), Labcorp
Classification: Likely benign for Hereditary sensory neuropathy-deafness-dementia syndrome. Last evaluated: 2025-12-13. Review status: criteria provided, single submitter. Criteria: Invitae Variant Classification Sherloc (09022015). Collection method: clinical testing. Allele origin: germline.

Mayo Clinic Laboratories, Mayo Clinic
Classification: Benign. Last evaluated: 2025-07-16. Review status: criteria provided, single submitter. Criteria: ACMG Guidelines, 2015. Collection method: clinical testing. Allele origin: germline. Observed: 3 variant alleles.
Comment: BS1, BS2, BP4_moderate

Women's Health and Genetics/Laboratory Corporation of America, LabCorp
Classification: Likely benign. Last evaluated: 2025-04-16. Review status: criteria provided, single submitter. Criteria: LabCorp Variant Classification Summary - May 2015. Collection method: clinical testing. Allele origin: germline.
Comment: Variant summary: DNMT1 c.981T>G (p.Ile327Met) results in a conservative amino acid change in the encoded protein sequence. Five of five in-silico tools predict a benign effect of the variant on protein function. The variant allele was found at a frequency of 0.00047 in 251436 control chromosomes. The observed variant frequency is approximately 757-fold of the estimated maximal expected allele frequency for a pathogenic variant in DNMT1 causing Autosomal dominant cerebellar ataxia, deafness and narcolepsy phenotype (6.3e-07). To our knowledge, no occurrence of c.981T>G in individuals affected with Autosomal dominant cerebellar ataxia, deafness and narcolepsy and no experimental evidence demonstrating its impact on protein function have been reported. ClinVar contains an entry for this variant (Variation ID: 327918). Based on the evidence outlined above, the variant was classified as likely benign.

Blueprint Genetics
Classification: Likely benign. Last evaluated: 2024-11-14. Review status: criteria provided, single submitter. Criteria: ACMG Guidelines, 2015. Collection method: clinical testing. Allele origin: germline.

PreventionGenetics, part of Exact Sciences
Classification: Likely benign for DNMT1-related condition. Last evaluated: 2024-10-17. Review status: criteria provided, single submitter. Criteria: ACMG Guidelines, 2015. Collection method: clinical testing. Allele origin: germline.
Comment: This variant is classified as likely benign based on ACMG/AMP sequence variant interpretation guidelines (Richards et al. 2015 PMID: 25741868, with internal and published modifications).

CeGaT Center for Human Genetics Tuebingen
Classification: Likely benign. Last evaluated: 2023-11-01. Review status: criteria provided, single submitter. Criteria: CeGaT Center For Human Genetics Tuebingen Variant Classification Criteria Version 2. Collection method: clinical testing. Allele origin: germline. Affected: yes. Observed: 2 variant alleles.
Comment: DNMT1: PP2, BP4, BS2

GeneDx
Classification: Benign. Last evaluated: 2020-02-27. Review status: criteria provided, single submitter. Criteria: GeneDx Variant Classification Process June 2021. Collection method: clinical testing. Allele origin: germline. Affected: yes.

Ambry Genetics
Classification: Likely benign for Inborn genetic diseases. Last evaluated: 2019-08-29. Review status: criteria provided, single submitter. Criteria: Ambry Variant Classification Scheme 2023. Collection method: clinical testing. Allele origin: germline.

Illumina Laboratory Services, Illumina
Classification: Benign for Hereditary sensory neuropathy-deafness-dementia syndrome. Last evaluated: 2018-01-12. Review status: criteria provided, single submitter. Criteria: ICSL Variant Classification Criteria 13 December 2019. Collection method: clinical testing. Allele origin: germline.
Comment: This variant was observed in the ICSL laboratory as part of a predisposition screen in an ostensibly healthy population. It had not been previously curated by ICSL or reported in the Human Gene Mutation Database (HGMD: prior to June 1st, 2018), and was therefore a candidate for classification through an automated scoring system. Utilizing variant allele frequency, disease prevalence and penetrance estimates, and inheritance mode, an automated score was calculated to assess if this variant is too frequent to cause the disease. Based on the score and internal cut-off values, a variant classified as benign is not then subjected to further curation. The score for this variant resulted in a classification of benign for this disease.